The following is an entry in ClinVar:

NM_020207.7(ERCC6L2):c.1901T>C (p.Leu634Ser)

Gene: ERCC6L2 (ERCC excision repair 6 like 2; plus strand). Cytogenetic location: 9q22.32.
Variant type: single nucleotide variant.
Coding change: c.1901T>C on transcript NM_020207.7 (MANE Select); coding-DNA position 1901, T replaced by C.
Protein change: p.Leu634Ser; replaces leucine 634 with serine.
Molecular consequence: missense variant. On other transcripts: non-coding transcript variant (1).
Genome position (GRCh38, 1-based): chr9:95,955,967, T>C. VCF-style: chr9-95955967-T-C. GRCh37 (hg19) VCF-style: chr9-98718249-T-C.
Other names: c.1901T>C, p.Leu634Ser (NM_001010895.4, NM_001375291.1, NM_001375292.1 and 2 more transcripts); short protein forms L634S.
Identifiers: ClinVar variation 5036081 (VCV005036081.1).
Genomic context (GRCh38, chr9:95,955,967, plus strand): 5'-TTTACAGAGCATATAGGATTGGACAATGTAGAGATGTCAAAGTGCTTAGGCTGATATCCT[T>C]GGGAACTGTGGAGGAAATCATGTATTTACGACAGATATACAAGCAGGTAAATATGTTTCC-3'
Protein context (NP_064592.3, residues 624-644): RDVKVLRLIS[Leu634Ser]GTVEEIMYLR

ClinVar aggregate classification (germline): Uncertain significance (1 of 4 stars; one submission).

Conditions:
Inborn genetic diseases. Identifiers: MedGen C0950123, MeSH D030342.

Submission:

Ambry Genetics
Classification: Uncertain significance for Inborn genetic diseases. Last evaluated: 2026-07-17. Review status: criteria provided, single submitter. Criteria: Ambry Variant Classification Scheme 2023. Collection method: clinical testing. Allele origin: germline.
Comment: The p.L634S variant (also known as c.1901T>C), located in coding exon 13 of the ERCC6L2 gene, results from a T to C substitution at nucleotide position 1901. The leucine at codon 634 is replaced by serine, an amino acid with dissimilar properties. This amino acid position is conserved. In addition, this alteration is predicted to be deleterious by in silico analysis. Based on the available evidence, the clinical significance of this variant remains unclear.